The following is an entry in ClinVar:

NM_000836.4(GRIN2D):c.2926G>C (p.Gly976Arg)

Gene: GRIN2D (glutamate ionotropic receptor NMDA type subunit 2D; plus strand). Cytogenetic location: 19q13.33.
Variant type: single nucleotide variant.
Coding change: c.2926G>C on transcript NM_000836.4 (MANE Select); coding-DNA position 2926, G replaced by C.
Protein change: p.Gly976Arg; replaces glycine 976 with arginine.
Molecular consequence: missense variant.
Genome position (GRCh38, 1-based): chr19:48,442,852, G>C. VCF-style: chr19-48442852-G-C. GRCh37 (hg19) VCF-style: chr19-48946109-G-C.
Other names: short protein forms G976R.
Identifiers: ClinVar variation 1419772 (VCV001419772.10), dbSNP rs1442508828, ClinGen allele CA406674283.

ClinVar aggregate classification (germline): Uncertain significance. Review status: criteria provided, multiple submitters, no conflicts (2 of 4 stars). 2 submissions from 2 submitters: Uncertain significance (2). Last evaluated 2024-02-19.

Allele frequency attached by ClinVar (database versions not stated): gnomAD 0.00001.

Submissions (2):

Women's Health and Genetics/Laboratory Corporation of America, LabCorp
Classification: Uncertain significance. Last evaluated: 2024-02-19. Review status: criteria provided, single submitter. Criteria: LabCorp Variant Classification Summary - May 2015. Collection method: clinical testing. Allele origin: germline.
Comment: Variant summary: GRIN2D c.2926G>C (p.Gly976Arg) results in a non-conservative amino acid change in the encoded protein sequence. Three of five in-silico tools predict a benign effect of the variant on protein function. The variant was absent in 1156 control chromosomes. The available data on variant occurrences in the general population are insufficient to allow any conclusion about variant significance. To our knowledge, no occurrence of c.2926G>C in individuals affected with Epileptic Encephalopathy, Early Infantile, 46 and no experimental evidence demonstrating its impact on protein function have been reported. ClinVar contains an entry for this variant (Variation ID: 1419772). Based on the evidence outlined above, the variant was classified as uncertain significance.

Labcorp Genetics (formerly Invitae), Labcorp
Classification: Uncertain significance. Last evaluated: 2021-05-31. Review status: criteria provided, single submitter. Criteria: Invitae Variant Classification Sherloc (09022015). Collection method: clinical testing. Allele origin: germline.
Comment: This sequence change replaces glycine with arginine at codon 976 of the GRIN2D protein (p.Gly976Arg). The glycine residue is weakly conserved and there is a moderate physicochemical difference between glycine and arginine. The frequency data for this variant in the population databases is considered unreliable, as metrics indicate insufficient coverage at this position in the ExAC database. This variant has not been reported in the literature in individuals with GRIN2D-related conditions. Advanced modeling of protein sequence and biophysical properties (such as structural, functional, and spatial information, amino acid conservation, physicochemical variation, residue mobility, and thermodynamic stability) performed at Invitae indicates that this missense variant is not expected to disrupt GRIN2D protein function. In summary, the available evidence is currently insufficient to determine the role of this variant in disease. Therefore, it has been classified as a Variant of Uncertain Significance.